The following is an entry in ClinVar:

ClinVar aggregate classification (germline): Likely benign (1 of 4 stars; one submission).

Conditions:
NUP93-related disorder. Also called: NUP93-related condition.

gnomAD v4.1: 90 of 1,614,166 alleles (0.0056%); highest among the groups gnomAD compares: South Asian, 0.089%; no homozygotes.

Submission:

PreventionGenetics, part of Exact Sciences
Classification: Likely benign for NUP93-related condition. Last evaluated: 2025-01-30. Review status: criteria provided, single submitter. Criteria: ACMG Guidelines, 2015. Collection method: clinical testing. Allele origin: germline.
Comment: This variant is classified as likely benign based on ACMG/AMP sequence variant interpretation guidelines (Richards et al. 2015 PMID: 25741868, with internal and published modifications).

NM_014669.5(NUP93):c.717G>A (p.Thr239=)

Gene: NUP93 (nucleoporin 93; plus strand). Cytogenetic location: 16q13.
Variant type: single nucleotide variant.
Coding change: c.717G>A on transcript NM_014669.5 (MANE Select); coding-DNA position 717, G replaced by A.
Protein change: p.Thr239=; no amino-acid change (threonine 239 retained).
Molecular consequence: synonymous variant.
Genome position (GRCh38, 1-based): chr16:56,823,769, G>A. VCF-style: chr16-56823769-G-A. GRCh37 (hg19) VCF-style: chr16-56857681-G-A.
Other names: c.348G>A, p.Thr116= (NM_001242795.2, NM_001242796.2).
Identifiers: ClinVar variation 4980395 (VCV004980395.1).